The following is an entry in ClinVar:

ClinVar aggregate classification (germline): Uncertain significance (1 of 4 stars; one submission).

Submission:

Labcorp Genetics (formerly Invitae), Labcorp
Classification: Uncertain significance. Last evaluated: 2022-10-24. Review status: criteria provided, single submitter. Criteria: Invitae Variant Classification Sherloc (09022015). Collection method: clinical testing. Allele origin: germline.
Comment: A copy number gain of the genomic region encompassing the full coding sequence of the MME gene has been identified. The boundaries of this event are unknown as they extend beyond the assayed region for this gene and therefore may encompass additional genes. As the precise location of this event is unknown, it may be in tandem or it may be located elsewhere in the genome. This variant has not been reported in the literature in individuals affected with MME-related conditions. In summary, the available evidence is currently insufficient to determine the role of this variant in disease. Therefore, it has been classified as a Variant of Uncertain Significance.

NC_000003.11:g.(?_154801957)_(154898248_?)dup

Gene: MME (membrane metalloendopeptidase; plus strand). Cytogenetic location: 3q25.2.
Variant type: Duplication.
Identifiers: ClinVar variation 2425710 (VCV002425710.3).